The following is an entry in ClinVar:

NM_001530.4(HIF1A):c.1045G>A (p.Asp349Asn)

Genes: HIF1A (hypoxia inducible factor 1 subunit alpha; plus strand), HIF1A-AS3 (HIF1A antisense RNA 3; minus strand). Cytogenetic location: 14q23.2.
Variant type: single nucleotide variant.
Coding change: c.1045G>A on transcript NM_001530.4 (MANE Select); coding-DNA position 1045, G replaced by A.
Protein change: p.Asp349Asn; replaces aspartic acid 349 with asparagine.
Molecular consequence: missense variant.
Genome position (GRCh38, 1-based): chr14:61,736,905, G>A. VCF-style: chr14-61736905-G-A. GRCh37 (hg19) VCF-style: chr14-62203623-G-A.
Other names: p.Asp349Asn; c.1117G>A, p.Asp373Asn (NM_001243084.2); c.1045G>A, p.Asp349Asn (NM_181054.3); short protein forms D349N, D373N.
Identifiers: ClinVar variation 716592 (VCV000716592.6), dbSNP rs142179458, ClinGen allele CA7215851.

ClinVar aggregate classification (germline): Benign/Likely benign. Review status: criteria provided, multiple submitters, no conflicts (2 of 4 stars). 3 submissions from 3 submitters: Benign (2); Likely benign (1). Last evaluated 2025-03-14.

Allele frequency attached by ClinVar (database versions not stated): 1000 Genomes Project 30x 0.00390; ESP Exome Variant Server 0.00015; gnomAD exomes 0.00046 and 0.00219; gnomAD 0.00091 and 0.00108; TOPMed 0.00131; ExAC 0.00197; 1000 Genomes Project 0.00459.
gnomAD v4.1: 997 of 1,612,826 alleles (0.062%); highest among the groups gnomAD compares: East Asian, 1.6%; 18 homozygotes.

Submissions (3):

ARUP Laboratories, Molecular Genetics and Genomics, ARUP Laboratories
Classification: Benign. Last evaluated: 2025-03-14. Review status: criteria provided, single submitter. Criteria: ARUP Molecular Germline Variant Investigation Process 2024. Collection method: clinical testing. Allele origin: germline.

Mayo Clinic Laboratories, Mayo Clinic
Classification: Likely benign. Last evaluated: 2024-12-17. Review status: criteria provided, single submitter. Criteria: ACMG Guidelines, 2015. Collection method: clinical testing. Allele origin: germline. Observed: 1 variant allele.
Comment: BS1, BP4

Labcorp Genetics (formerly Invitae), Labcorp
Classification: Benign. Last evaluated: 2018-07-29. Review status: criteria provided, single submitter. Criteria: Invitae Variant Classification Sherloc (09022015). Collection method: clinical testing. Allele origin: germline.